The following is an entry in ClinVar:

NM_001127222.2(CACNA1A):c.2782C>A (p.Pro928Thr)

Gene: CACNA1A (calcium voltage-gated channel subunit alpha1 A; minus strand). Cytogenetic location: 19p13.13.
Variant type: single nucleotide variant.
Coding change: c.2782C>A on transcript NM_001127222.2 (MANE Select); coding-DNA position 2782, C replaced by A.
Protein change: p.Pro928Thr; replaces proline 928 with threonine.
Molecular consequence: missense variant.
Genome position (GRCh38, 1-based): chr19:13,298,851, G>T on the plus strand (C>A on the coding strand, the complement: CACNA1A is on the minus strand). VCF-style: chr19-13298851-G-T. GRCh37 (hg19) VCF-style: chr19-13409665-G-T.
Other names: c.2794C>A, p.Pro932Thr (NM_000068.4, NM_023035.3); c.2785C>A, p.Pro929Thr (NM_001127221.2, NM_001174080.2); short protein forms P928T, P929T, P932T.
Identifiers: ClinVar variation 3748249 (VCV003748249.2).

ClinVar aggregate classification (germline): Uncertain significance (1 of 4 stars; one submission).

Conditions:
Episodic ataxia type 2 (EA2). Also called: ACETAZOLAMIDE-RESPONSIVE HEREDITARY PAROXYSMAL CEREBELLAR ATAXIA; ATAXIA, EPISODIC, WITH NYSTAGMUS; ATAXIA, FAMILIAL PAROXYSMAL; CEREBELLAR ATAXIA, PAROXYSMAL, ACETAZOLAMIDE-RESPONSIVE; CEREBELLOPATHY, HEREDITARY PAROXYSMAL; EPISODIC ATAXIA, NYSTAGMUS-ASSOCIATED. Identifiers: Orphanet 97, MedGen C1720416, MONDO:0007163, OMIM 108500.
Developmental and epileptic encephalopathy, 42 (DEE42A). Also called: Epileptic encephalopathy, early infantile, 42; DEVELOPMENTAL AND EPILEPTIC ENCEPHALOPATHY 42A; EPILEPTIC ENCEPHALOPATHY, EARLY INFANTILE, 42A. Identifiers: MedGen C4310716, MONDO:0014917, OMIM 617106.

gnomAD v4.1: 1 of 1,585,714 alleles (0.000063%); highest among the groups gnomAD compares: East Asian, 0.0023%; no homozygotes.

Submission:

Labcorp Genetics (formerly Invitae), Labcorp
Classification: Uncertain significance for Developmental and epileptic encephalopathy, 42; Episodic ataxia type 2. Last evaluated: 2024-08-23. Review status: criteria provided, single submitter. Criteria: Invitae Variant Classification Sherloc (09022015). Collection method: clinical testing. Allele origin: germline.
Comment: This sequence change replaces proline, which is neutral and non-polar, with threonine, which is neutral and polar, at codon 929 of the CACNA1A protein (p.Pro929Thr). This variant is not present in population databases (gnomAD no frequency). This variant has not been reported in the literature in individuals affected with CACNA1A-related conditions. Invitae Evidence Modeling of protein sequence and biophysical properties (such as structural, functional, and spatial information, amino acid conservation, physicochemical variation, residue mobility, and thermodynamic stability) indicates that this missense variant is not expected to disrupt CACNA1A protein function with a negative predictive value of 95%. In summary, the available evidence is currently insufficient to determine the role of this variant in disease. Therefore, it has been classified as a Variant of Uncertain Significance.